The following is an entry in ClinVar:

NM_020778.5(ALPK3):c.512C>A (p.Thr171Asn)

Gene: ALPK3 (alpha kinase 3; plus strand). Cytogenetic location: 15q25.3.
Variant type: single nucleotide variant.
Coding change: c.512C>A on transcript NM_020778.5 (MANE Select); coding-DNA position 512, C replaced by A.
Protein change: p.Thr171Asn; replaces threonine 171 with asparagine.
Molecular consequence: missense variant.
Genome position (GRCh38, 1-based): chr15:84,839,791, C>A. VCF-style: chr15-84839791-C-A. GRCh37 (hg19) VCF-style: chr15-85383022-C-A.
Other names: short protein forms T373N, T171N.
Identifiers: ClinVar variation 429965 (VCV000429965.9), dbSNP rs774567371, ClinGen allele CA7708989.
Genomic context (GRCh38, chr15:84,839,791, plus strand): 5'-AGGCCTCTGCCCAGAACAGCAAGGGCATTGTGTCCTGCTCAGGGGTCCTGGAGGTGGGCA[C>A]CATGACTGAGTACAAGATCCACCAGCGCTGGTTCGCCAAGTTGAAGCGCAAGGCTGCGGC-3'
Protein context (NP_065829.4, residues 161-181): VSCSGVLEVG[Thr171Asn]MTEYKIHQRW

ClinVar aggregate classification (germline): Uncertain significance. Review status: criteria provided, multiple submitters, no conflicts (2 of 4 stars). 3 submissions from 3 submitters: Uncertain significance (3). Last evaluated 2025-10-21.

Conditions:
Cardiovascular phenotype. Identifiers: MedGen CN230736.

Allele frequency attached by ClinVar (database versions not stated): gnomAD 0.00001; gnomAD exomes 0.00001; ExAC 0.00002.
gnomAD v4.1: 6 of 1,613,988 alleles (0.00037%); highest among the groups gnomAD compares: Admixed American, 0.0033%; no homozygotes.

Submissions (3):

Ambry Genetics
Classification: Uncertain significance for Cardiovascular phenotype. Last evaluated: 2025-10-21. Review status: criteria provided, single submitter. Criteria: Ambry Variant Classification Scheme 2023. Collection method: clinical testing. Allele origin: germline.

Labcorp Genetics (formerly Invitae), Labcorp
Classification: Uncertain significance. Last evaluated: 2025-03-09. Review status: criteria provided, single submitter. Criteria: Invitae Variant Classification Sherloc (09022015). Collection method: clinical testing. Allele origin: germline.
Comment: This sequence change replaces threonine, which is neutral and polar, with asparagine, which is neutral and polar, at codon 373 of the ALPK3 protein (p.Thr373Asn). This variant is present in population databases (rs774567371, gnomAD 0.003%). This variant has not been reported in the literature in individuals affected with ALPK3-related conditions. ClinVar contains an entry for this variant (Variation ID: 429965). An algorithm developed to predict the effect of missense changes on protein structure and function (PolyPhen-2) suggests that this variant is likely to be disruptive. In summary, the available evidence is currently insufficient to determine the role of this variant in disease. Therefore, it has been classified as a Variant of Uncertain Significance.

GeneDx
Classification: Uncertain significance. Last evaluated: 2017-05-15. Review status: criteria provided, single submitter. Criteria: GeneDx Variant Classification (06012015). Collection method: clinical testing. Allele origin: germline. Affected: yes.
Comment: A variant of uncertain significance has been identified in the ALPK3 gene. The T373N variant has not been published as pathogenic or been reported as benign to our knowledge. Additionally, this variant is not observed at a significant frequency in large population cohorts (Lek et al., 2016; 1000 Genomes Consortium et al., 2015; Exome Variant Server). This substitution occurs at a position that is conserved in mammals and in silico analysis predicts this variant is probably damaging to the protein structure/function. However, the T373N variant is a conservative amino acid substitution, which is not likely to impact secondary protein structure as these residues share similar properties.